The following is an entry in ClinVar:

NM_014332.3(SMPX):c.100A>G (p.Arg34Gly)

Gene: SMPX (small muscle protein X-linked; minus strand). Cytogenetic location: Xp22.12.
Variant type: single nucleotide variant.
Coding change: c.100A>G on transcript NM_014332.3 (MANE Select); coding-DNA position 100, A replaced by G.
Protein change: p.Arg34Gly; replaces arginine 34 with glycine.
Molecular consequence: missense variant. On other transcripts: non-coding transcript variant (1).
Genome position (GRCh38, 1-based): chrX:21,743,782, T>C on the plus strand (A>G on the coding strand, the complement: SMPX is on the minus strand). VCF-style: chrX-21743782-T-C. GRCh37 (hg19) VCF-style: chrX-21761900-T-C.
Other names: short protein forms R34G.
Identifiers: ClinVar variation 1434339 (VCV001434339.6), dbSNP rs747570937, ClinGen allele CA10367228.

ClinVar aggregate classification (germline): Uncertain significance (1 of 4 stars; one submission).

Allele frequency attached by ClinVar (database versions not stated): TOPMed below 0.00001; ExAC 0.00001; gnomAD exomes 0.00001 and 0.00002; gnomAD 0.00002.
gnomAD v4.1: 15 of 1,207,822 alleles (0.0012%); highest among the groups gnomAD compares: Non-Finnish European, 0.0016%; no homozygotes.

Submission:

Labcorp Genetics (formerly Invitae), Labcorp
Classification: Uncertain significance. Last evaluated: 2025-07-13. Review status: criteria provided, single submitter. Criteria: Invitae Variant Classification Sherloc (09022015). Collection method: clinical testing. Allele origin: germline.
Comment: This sequence change replaces arginine, which is basic and polar, with glycine, which is neutral and non-polar, at codon 34 of the SMPX protein (p.Arg34Gly). This variant is present in population databases (rs747570937, gnomAD 0.01%). This variant has not been reported in the literature in individuals affected with SMPX-related conditions. ClinVar contains an entry for this variant (Variation ID: 1434339). An algorithm developed to predict the effect of missense changes on protein structure and function (PolyPhen-2) suggests that this variant is likely to be tolerated. In summary, the available evidence is currently insufficient to determine the role of this variant in disease. Therefore, it has been classified as a Variant of Uncertain Significance.